The following is an entry in ClinVar:

ClinVar aggregate classification (germline): Likely benign. Review status: criteria provided, multiple submitters, no conflicts (2 of 4 stars). 3 submissions from 3 submitters: Likely benign (2). 1 of the submissions does not count toward it. Last evaluated 2025-11-08.

Conditions:
DNMT3B-related disorder. Also called: DNMT3B-related condition.
Centromeric instability of chromosomes 1,9 and 16 and immunodeficiency (ICF1). Also called: CENTROMERIC INSTABILITY, IMMUNODEFICIENCY SYNDROME; Immunodeficiency-centromeric instability-facial anomalies; IMMUNE DEFICIENCY, VARIABLE, WITH CENTROMERIC INSTABILITY OF CHROMOSOMES 1, 9, AND 16; IMMUNODEFICIENCY SYNDROME, VARIABLE. Identifiers: Orphanet 2268, MedGen C0398788, MONDO:0000133.

Submissions (3):

Labcorp Genetics (formerly Invitae), Labcorp
Classification: Likely benign for Centromeric instability of chromosomes 1,9 and 16 and immunodeficiency. Last evaluated: 2025-11-08. Review status: criteria provided, single submitter. Criteria: Invitae Variant Classification Sherloc (09022015). Collection method: clinical testing. Allele origin: germline.

Blueprint Genetics
Classification: Likely benign. Last evaluated: 2023-11-13. Review status: criteria provided, single submitter. Criteria: ACMG Guidelines, 2015. Collection method: clinical testing. Allele origin: germline.

PreventionGenetics, part of Exact Sciences
Classification: Likely benign for DNMT3B-related condition. Last evaluated: 2019-09-23. Review status: no assertion criteria provided. Collection method: clinical testing. Allele origin: germline. Not counted in ClinVar's aggregate classification.
Comment: This variant is classified as likely benign based on ACMG/AMP sequence variant interpretation guidelines (Richards et al. 2015 PMID: 25741868, with internal and published modifications).

NM_006892.4(DNMT3B):c.1947C>T (p.Ser649=)

Gene: DNMT3B (DNA methyltransferase 3 beta; plus strand). Cytogenetic location: 20q11.21.
Variant type: single nucleotide variant.
Coding change: c.1947C>T on transcript NM_006892.4 (MANE Select); coding-DNA position 1947, C replaced by T.
Protein change: p.Ser649=; no amino-acid change (serine 649 retained).
Molecular consequence: synonymous variant.
Genome position (GRCh38, 1-based): chr20:32,800,876, C>T. VCF-style: chr20-32800876-C-T. GRCh37 (hg19) VCF-style: chr20-31388682-C-T.
Other names: c.1761C>T, p.Ser587= (NM_001207055.2); c.1659C>T, p.Ser553= (NM_001207056.2); c.1887C>T, p.Ser629= (NM_175848.2, NM_175849.2); c.1923C>T, p.Ser641= (NM_175850.3).
Identifiers: ClinVar variation 739184 (VCV000739184.12), dbSNP rs1601128127, ClinGen allele CA510210704.
Genomic context (GRCh38, chr20:32,800,876, plus strand): 5'-CTCTGTCTCTCTCTTTCAGATTGAAGAATGGGGCCCATTTGACTTGGTGATTGGCGGAAG[C>T]CCATGCAACGATCTCTCAAATGTGAATCCAGCCAGGAAAGGCCTGTATGGTGAGCATCCT-3'
Protein context (NP_008823.1, residues 639-659): WGPFDLVIGG[Ser649=]PCNDLSNVNP